The following is an entry in ClinVar:

ClinVar aggregate classification (germline): Uncertain significance (0 of 4 stars; one submission).

Conditions:
NRP2-related disorder. Also called: NRP2-related condition.

gnomAD v4.1: 5 of 1,612,752 alleles (0.00031%); highest among the groups gnomAD compares: Admixed American, 0.0017%; no homozygotes.

Submission:

PreventionGenetics, part of Exact Sciences
Classification: Uncertain significance for NRP2-related condition. Last evaluated: 2024-08-21. Review status: no assertion criteria provided. Collection method: clinical testing. Allele origin: germline.
Comment: The NRP2 c.2414C>T variant is predicted to result in the amino acid substitution p.Ser805Leu. To our knowledge, this variant has not been reported in the literature. This variant is reported in 0.0029% of alleles in individuals of Latino descent in gnomAD. At this time, the clinical significance of this variant is uncertain due to the absence of conclusive functional and genetic evidence.

NM_003872.3(NRP2):c.2414C>T (p.Ser805Leu)

Gene: NRP2 (neuropilin 2; plus strand). Cytogenetic location: 2q33.3.
Variant type: single nucleotide variant.
Coding change: c.2414C>T on transcript NM_003872.3 (MANE Select); coding-DNA position 2414, C replaced by T.
Protein change: p.Ser805Leu; replaces serine 805 with leucine.
Molecular consequence: missense variant.
Genome position (GRCh38, 1-based): chr2:205,766,792, C>T. VCF-style: chr2-205766792-C-T. GRCh37 (hg19) VCF-style: chr2-206631516-C-T.
Other names: c.2414C>T, p.Ser805Leu (NM_018534.4, NM_201266.2, NM_201267.2 and 1 more transcripts); short protein forms S805L.
Identifiers: ClinVar variation 3346257 (VCV003346257.1).